The following is an entry in ClinVar:

ClinVar aggregate classification (germline): Uncertain significance. Review status: criteria provided, multiple submitters, no conflicts (2 of 4 stars). 5 submissions from 5 submitters: Uncertain significance (5). Last evaluated 2026-01-12.

Conditions:
HNF1B-related disorder. Also called: HNF1B-related condition; HNF1B-related disorders.
Renal cysts and diabetes syndrome (RCAD). Also called: Familial hypoplastic, glomerulocystic kidney; MATURITY-ONSET DIABETES OF THE YOUNG, TYPE 5. Identifiers: Orphanet 93111, MedGen C0431693, MONDO:0007669, OMIM 137920.
Nonpapillary renal cell carcinoma. Identifiers: Orphanet 422526, MedGen CN074294, MONDO:0007763, OMIM 144700.
Type 2 diabetes mellitus. Also called: Type II diabetes mellitus. Identifiers: MedGen C0011860, MeSH D003924, MONDO:0005148, OMIM 125853, HP:0005978.

Allele frequency attached by ClinVar (database versions not stated): gnomAD exomes below 0.00001; TOPMed 0.00002.
gnomAD v4.1: 1 of 1,603,156 alleles (0.000062%); highest among the groups gnomAD compares: Non-Finnish European, 0.000085%; no homozygotes.

Submissions (5):

Women's Health and Genetics/Laboratory Corporation of America, LabCorp
Classification: Uncertain significance. Last evaluated: 2026-01-12. Review status: criteria provided, single submitter. Criteria: LabCorp Variant Classification Summary - May 2015. Collection method: clinical testing. Allele origin: germline.
Comment: Variant summary: HNF1B c.332A>G (p.Asp111Gly) results in a non-conservative amino acid change in the encoded protein sequence. Algorithms developed to predict the effect of missense changes on protein structure and function all suggest that this variant is likely to be disruptive. The variant was absent in 240794 control chromosomes. The available data on variant occurrences in the general population are insufficient to allow any conclusion about variant significance. To our knowledge, no occurrence of c.332A>G in individuals affected with HNF1B-related conditions and no experimental evidence demonstrating its impact on protein function have been reported. ClinVar contains an entry for this variant (Variation ID: 1928954). Based on the evidence outlined above, the variant was classified as uncertain significance.

GeneDx
Classification: Uncertain significance. Last evaluated: 2025-07-03. Review status: criteria provided, single submitter. Criteria: GeneDx Variant Classification Process June 2021. Collection method: clinical testing. Allele origin: germline. Affected: yes.
Comment: Not observed at significant frequency in large population cohorts (gnomAD); In silico analysis supports that this missense variant has a deleterious effect on protein structure/function; Has not been previously published as pathogenic or benign to our knowledge

Fulgent Genetics
Classification: Uncertain significance for Type 2 diabetes mellitus; Renal cysts and diabetes syndrome; Nonpapillary renal cell carcinoma. Last evaluated: 2024-01-06. Review status: criteria provided, single submitter. Criteria: ACMG Guidelines, 2015. Collection method: clinical testing. Allele origin: germline.

PreventionGenetics, part of Exact Sciences
Classification: Uncertain significance for HNF1B-related condition. Last evaluated: 2022-09-13. Review status: criteria provided, single submitter. Criteria: ACMG Guidelines, 2015. Collection method: clinical testing. Allele origin: germline.
Comment: The HNF1B c.332A>G variant is predicted to result in the amino acid substitution p.Asp111Gly. The p.Asp111 residue is highly conserved during evolution. To our knowledge, this variant has not been reported in the literature or in a large population database, indicating this variant is rare. Of note, the substitutions at the flanking codons have been reported in individuals with HNF1B-related disorders (Edghill et al. 2006. PubMed ID: 15930087; Bellanne-Chantelot et al. 2004. PubMed ID: 15068978). Although we suspect that the p.Asp111Gly variant in this patient may be pathogenic, at this time, the clinical significance of this variant is uncertain due to the absence of conclusive functional and genetic evidence.

Labcorp Genetics (formerly Invitae), Labcorp
Classification: Uncertain significance. Last evaluated: 2022-06-14. Review status: criteria provided, single submitter. Criteria: Invitae Variant Classification Sherloc (09022015). Collection method: clinical testing. Allele origin: germline.
Comment: In summary, the available evidence is currently insufficient to determine the role of this variant in disease. Therefore, it has been classified as a Variant of Uncertain Significance. Advanced modeling of protein sequence and biophysical properties (such as structural, functional, and spatial information, amino acid conservation, physicochemical variation, residue mobility, and thermodynamic stability) performed at Invitae indicates that this missense variant is not expected to disrupt HNF1B protein function. This variant has not been reported in the literature in individuals affected with HNF1B-related conditions. This variant is not present in population databases (gnomAD no frequency). This sequence change replaces aspartic acid, which is acidic and polar, with glycine, which is neutral and non-polar, at codon 111 of the HNF1B protein (p.Asp111Gly).

NM_000458.4(HNF1B):c.332A>G (p.Asp111Gly)

Gene: HNF1B (HNF1 homeobox B; minus strand). Cytogenetic location: 17q12.
Variant type: single nucleotide variant.
Coding change: c.332A>G on transcript NM_000458.4 (MANE Select); coding-DNA position 332, A replaced by G.
Protein change: p.Asp111Gly; replaces aspartic acid 111 with glycine.
Molecular consequence: missense variant.
Genome position (GRCh38, 1-based): chr17:37,744,553, T>C on the plus strand (A>G on the coding strand, the complement: HNF1B is on the minus strand). VCF-style: chr17-37744553-T-C. GRCh37 (hg19) VCF-style: chr17-36104544-T-C.
Other names: c.332A>G, p.Asp111Gly (NM_001165923.4, NM_001304286.2, NM_001411100.1); c.332A>G (NM_000458.3, NM_000458.2); short protein forms D111G.
Identifiers: ClinVar variation 1928954 (VCV001928954.9), dbSNP rs1311605355, ClinGen allele CA398752970.